The following is an entry in ClinVar:

NM_005763.4(AASS):c.436C>T (p.Arg146Trp)

Gene: AASS (aminoadipate-semialdehyde synthase; minus strand). Cytogenetic location: 7q31.32.
Variant type: single nucleotide variant.
Coding change: c.436C>T on transcript NM_005763.4 (MANE Select); coding-DNA position 436, C replaced by T.
Protein change: p.Arg146Trp; replaces arginine 146 with tryptophan.
Molecular consequence: missense variant.
Genome position (GRCh38, 1-based): chr7:122,126,411, G>A on the plus strand (C>T on the coding strand, the complement: AASS is on the minus strand). VCF-style: chr7-122126411-G-A. GRCh37 (hg19) VCF-style: chr7-121766465-G-A.
Other names: short protein forms R146W.
Identifiers: ClinVar variation 1927600 (VCV001927600.6), dbSNP rs141405677, ClinGen allele CA4458648.

ClinVar aggregate classification (germline): Uncertain significance. Review status: criteria provided, multiple submitters, no conflicts (2 of 4 stars). 2 submissions from 2 submitters: Uncertain significance (2). Last evaluated 2023-09-06.

Allele frequency attached by ClinVar (database versions not stated): ExAC 0.00001; gnomAD exomes 0.00001; gnomAD 0.00002; TOPMed 0.00003; ESP Exome Variant Server 0.00008.
gnomAD v4.1: 18 of 1,613,680 alleles (0.0011%); highest among the groups gnomAD compares: East Asian, 0.0022%; no homozygotes.

Submissions (2):

Blueprint Genetics
Classification: Uncertain significance. Last evaluated: 2023-09-06. Review status: criteria provided, single submitter. Criteria: ACMG Guidelines, 2015. Collection method: clinical testing. Allele origin: germline.

Labcorp Genetics (formerly Invitae), Labcorp
Classification: Uncertain significance. Last evaluated: 2022-05-07. Review status: criteria provided, single submitter. Criteria: Invitae Variant Classification Sherloc (09022015). Collection method: clinical testing. Allele origin: germline.
Comment: In summary, the available evidence is currently insufficient to determine the role of this variant in disease. Therefore, it has been classified as a Variant of Uncertain Significance. Algorithms developed to predict the effect of missense changes on protein structure and function are either unavailable or do not agree on the potential impact of this missense change (SIFT: "Deleterious"; PolyPhen-2: "Probably Damaging"; Align-GVGD: "Class C0"). This variant has not been reported in the literature in individuals affected with AASS-related conditions. This variant is present in population databases (rs141405677, gnomAD 0.002%). This sequence change replaces arginine, which is basic and polar, with tryptophan, which is neutral and slightly polar, at codon 146 of the AASS protein (p.Arg146Trp).